The following is an entry in ClinVar:

NM_144670.6(A2ML1):c.2367G>A (p.Pro789=)

Gene: A2ML1 (alpha-2-macroglobulin like 1; plus strand). Cytogenetic location: 12p13.31.
Variant type: single nucleotide variant.
Coding change: c.2367G>A on transcript NM_144670.6 (MANE Select); coding-DNA position 2367, G replaced by A.
Protein change: p.Pro789=; no amino-acid change (proline 789 retained).
Molecular consequence: synonymous variant.
Genome position (GRCh38, 1-based): chr12:8,851,916, G>A. VCF-style: chr12-8851916-G-A. GRCh37 (hg19) VCF-style: chr12-9004512-G-A.
Other names: c.894G>A, p.Pro298= (NM_001282424.3).
Identifiers: ClinVar variation 383777 (VCV000383777.20), dbSNP rs1860927, ClinGen allele CA6435999.
Genomic context (GRCh38, chr12:8,851,916, plus strand): 5'-CACTTCCCAGTCAAGAGGCTTCGGGCTTTCACCCACTGTTGGACTAACTGCTTTCAAGCC[G>A]TTCTTTGTTGACCTGACTCTCCCTTACTCAGTAGTCCGTGGGGAATCCTTTCGTCTTACT-3'
Protein context (NP_653271.3, residues 779-799): SPTVGLTAFK[Pro789=]FFVDLTLPYS

ClinVar aggregate classification (germline): Benign/Likely benign. Review status: criteria provided, multiple submitters, no conflicts (2 of 4 stars). 8 submissions from 8 submitters: Benign (4); Likely benign (1). 3 of the submissions do not count toward it. Last evaluated 2026-02-04.

Allele frequency attached by ClinVar (database versions not stated): ESP Exome Variant Server 0.80782; gnomAD 0.81108 and 0.81901; TOPMed 0.81921; gnomAD exomes 0.84601 and 0.87497; 1000 Genomes Project 30x 0.86149; 1000 Genomes Project 0.86821; ExAC 0.87003.
gnomAD v4.1: 1,362,344 of 1,613,950 alleles (84%); highest among the groups gnomAD compares: East Asian, 100%; 577,515 homozygotes.

Submissions (8):

Labcorp Genetics (formerly Invitae), Labcorp
Classification: Benign. Last evaluated: 2026-02-04. Review status: criteria provided, single submitter. Criteria: Invitae Variant Classification Sherloc (09022015). Collection method: clinical testing. Allele origin: germline.

Blueprint Genetics
Classification: Likely benign. Last evaluated: 2024-11-27. Review status: criteria provided, single submitter. Criteria: ACMG Guidelines, 2015. Collection method: clinical testing. Allele origin: germline.

Women's Health and Genetics/Laboratory Corporation of America, LabCorp
Classification: Benign. Last evaluated: 2019-08-09. Review status: criteria provided, single submitter. Criteria: LabCorp Variant Classification Summary - May 2015. Collection method: clinical testing. Allele origin: germline.

GeneDx
Classification: Benign. Last evaluated: 2016-09-25. Review status: criteria provided, single submitter. Criteria: GeneDx Variant Classification (06012015). Collection method: clinical testing. Allele origin: germline. Affected: yes.
Comment: This variant is considered likely benign or benign based on one or more of the following criteria: it is a conservative change, it occurs at a poorly conserved position in the protein, it is predicted to be benign by multiple in silico algorithms, and/or has population frequency not consistent with disease.

Breakthrough Genomics
Classification: Benign. Review status: criteria provided, single submitter. Criteria: ACMG Guidelines, 2015. Collection method: not provided. Allele origin: germline. Inheritance: Autosomal dominant inheritance. Affected: yes.

Clinical Genetics, Academic Medical Center
Classification: Benign. Review status: no assertion criteria provided. Collection method: clinical testing. Allele origin: germline. Affected: yes. Study: VKGL Data-share Consensus. Not counted in ClinVar's aggregate classification.

Diagnostic Laboratory, Department of Genetics, University Medical Center Groningen
Classification: Benign. Review status: no assertion criteria provided. Collection method: clinical testing. Allele origin: germline. Affected: yes. Study: VKGL Data-share Consensus. Not counted in ClinVar's aggregate classification.

Joint Genome Diagnostic Labs from Nijmegen and Maastricht, Radboudumc and MUMC+
Classification: Benign. Review status: no assertion criteria provided. Collection method: clinical testing. Allele origin: germline. Affected: yes. Study: VKGL Data-share Consensus. Not counted in ClinVar's aggregate classification.